The following is an entry in ClinVar:

NM_025137.4(SPG11):c.4487A>T (p.Asp1496Val)

Gene: SPG11 (SPG11 vesicle trafficking associated, spatacsin; minus strand). Cytogenetic location: 15q21.1.
Variant type: single nucleotide variant.
Coding change: c.4487A>T on transcript NM_025137.4 (MANE Select); coding-DNA position 4487, A replaced by T.
Protein change: p.Asp1496Val; replaces aspartic acid 1496 with valine.
Molecular consequence: missense variant.
Genome position (GRCh38, 1-based): chr15:44,595,407, T>A on the plus strand (A>T on the coding strand, the complement: SPG11 is on the minus strand). VCF-style: chr15-44595407-T-A. GRCh37 (hg19) VCF-style: chr15-44887605-T-A.
Other names: c.4487A>T, p.Asp1496Val (NM_001160227.2); short protein forms D1496V.
Identifiers: ClinVar variation 1391243 (VCV001391243.6), dbSNP rs2140970008, ClinGen allele CA392226702.

ClinVar aggregate classification (germline): Uncertain significance (1 of 4 stars; one submission).

Conditions:
Hereditary spastic paraplegia 11. Also called: Nakamura Osame syndrome; Autosomal recessive hereditary spastic paraplegia, mental impairment, and thin corpus callosum; SPASTIC PARAPLEGIA, AUTOSOMAL RECESSIVE, COMPLICATED, WITH THIN CORPUS CALLOSUM; SPASTIC PARAPLEGIA, AUTOSOMAL RECESSIVE, WITH MENTAL IMPAIRMENT AND THIN CORPUS CALLOSUM; Spastic paraplegia, mental retardation and thin corpus callosum; Spastic Paraplegia 11. Identifiers: Orphanet 2822, MedGen C1858479, MONDO:0011445, OMIM 604360.

Submission:

Labcorp Genetics (formerly Invitae), Labcorp
Classification: Uncertain significance for Hereditary spastic paraplegia 11. Last evaluated: 2021-11-12. Review status: criteria provided, single submitter. Criteria: Invitae Variant Classification Sherloc (09022015). Collection method: clinical testing. Allele origin: germline.
Comment: In summary, the available evidence is currently insufficient to determine the role of this variant in disease. Therefore, it has been classified as a Variant of Uncertain Significance. Algorithms developed to predict the effect of sequence changes on RNA splicing suggest that this variant may create or strengthen a splice site. Algorithms developed to predict the effect of missense changes on protein structure and function are either unavailable or do not agree on the potential impact of this missense change (SIFT: "Deleterious"; PolyPhen-2: "Possibly Damaging"; Align-GVGD: "Class C0"). This variant has not been reported in the literature in individuals affected with SPG11-related conditions. This variant is not present in population databases (gnomAD no frequency). This sequence change replaces aspartic acid, which is acidic and polar, with valine, which is neutral and non-polar, at codon 1496 of the SPG11 protein (p.Asp1496Val).